The following is an entry in ClinVar:

ClinVar aggregate classification (germline): Uncertain significance (1 of 4 stars; one submission).

Conditions:
NOTCH2-related disorder. Also called: NOTCH2-related condition.

Submission:

PreventionGenetics, part of Exact Sciences
Classification: Uncertain significance for NOTCH2-related condition. Last evaluated: 2026-01-23. Review status: criteria provided, single submitter. Criteria: ACMG Guidelines, 2015. Collection method: clinical testing. Allele origin: germline.
Comment: The NOTCH2 c.3973A>G variant is predicted to result in the amino acid substitution p.Met1325Val. To our knowledge, this variant has not been reported in the literature. This variant is reported in 0.0033% of alleles in individuals of European (Non-Finnish) descent in gnomAD. At this time, the clinical significance of this variant is uncertain due to the absence of conclusive functional and genetic evidence.

NM_024408.4(NOTCH2):c.3973A>G (p.Met1325Val)

Gene: NOTCH2 (notch receptor 2; minus strand). Cytogenetic location: 1p12.
Variant type: single nucleotide variant.
Coding change: c.3973A>G on transcript NM_024408.4 (MANE Select); coding-DNA position 3973, A replaced by G.
Protein change: p.Met1325Val; replaces methionine 1325 with valine.
Molecular consequence: missense variant.
Genome position (GRCh38, 1-based): chr1:119,926,531, T>C on the plus strand (A>G on the coding strand, the complement: NOTCH2 is on the minus strand). VCF-style: chr1-119926531-T-C. GRCh37 (hg19) VCF-style: chr1-120469154-T-C.
Other names: short protein forms M1325V.
Identifiers: ClinVar variation 4984330 (VCV004984330.1).